The following is an entry in ClinVar:

NM_002439.5(MSH3):c.2744T>G (p.Met915Arg)

Gene: MSH3 (mutS homolog 3; plus strand). Cytogenetic location: 5q14.1.
Variant type: single nucleotide variant.
Coding change: c.2744T>G on transcript NM_002439.5 (MANE Select); coding-DNA position 2744, T replaced by G.
Protein change: p.Met915Arg; replaces methionine 915 with arginine.
Molecular consequence: missense variant.
Genome position (GRCh38, 1-based): chr5:80,813,672, T>G. VCF-style: chr5-80813672-T-G. GRCh37 (hg19) VCF-style: chr5-80109491-T-G.
Other names: c.2744T>G (NM_002439.3); short protein forms M915R.
Identifiers: ClinVar variation 851759 (VCV000851759.11), dbSNP rs1745048752, ClinGen allele CA360273987.

ClinVar aggregate classification (germline): Uncertain significance. Review status: criteria provided, multiple submitters, no conflicts (2 of 4 stars). 3 submissions from 3 submitters: Uncertain significance (3). Last evaluated 2025-07-07.

Conditions:
Hereditary cancer-predisposing syndrome. Also called: Tumor predisposition; Neoplastic Syndromes, Hereditary; Hereditary neoplastic syndrome; Hereditary Cancer Syndrome. Identifiers: Orphanet 140162, MedGen C0027672, MeSH D009386, MONDO:0015356.

Allele frequency attached by ClinVar (database versions not stated): gnomAD exomes below 0.00001.
gnomAD v4.1: 2 of 1,614,174 alleles (0.00012%); highest among the groups gnomAD compares: East Asian, 0.0045%; no homozygotes.

Submissions (3):

Labcorp Genetics (formerly Invitae), Labcorp
Classification: Uncertain significance. Last evaluated: 2025-07-07. Review status: criteria provided, single submitter. Criteria: Invitae Variant Classification Sherloc (09022015). Collection method: clinical testing. Allele origin: germline.
Comment: This sequence change replaces methionine, which is neutral and non-polar, with arginine, which is basic and polar, at codon 915 of the MSH3 protein (p.Met915Arg). This variant is not present in population databases (gnomAD no frequency). This variant has not been reported in the literature in individuals affected with MSH3-related conditions. ClinVar contains an entry for this variant (Variation ID: 851759). An algorithm developed to predict the effect of missense changes on protein structure and function (PolyPhen-2) suggests that this variant is likely to be disruptive. RNA analysis performed to evaluate the impact of this missense change on mRNA splicing indicates it does not significantly alter splicing (internal data). In summary, the available evidence is currently insufficient to determine the role of this variant in disease. Therefore, it has been classified as a Variant of Uncertain Significance.

Center for Genomic Medicine, Rigshospitalet, Copenhagen University Hospital
Classification: Uncertain significance. Last evaluated: 2025-03-04. Review status: criteria provided, single submitter. Criteria: ACMG Guidelines, 2015. Collection method: clinical testing. Allele origin: germline.
Comment: Classification criteria: PP3_strong, PM2

Ambry Genetics
Classification: Uncertain significance for Hereditary cancer-predisposing syndrome. Last evaluated: 2024-02-24. Review status: criteria provided, single submitter. Criteria: Ambry Variant Classification Scheme 2023. Collection method: clinical testing. Allele origin: germline.
Comment: The p.M915R variant (also known as c.2744T>G), located in coding exon 20 of the MSH3 gene, results from a T to G substitution at nucleotide position 2744. The methionine at codon 915 is replaced by arginine, an amino acid with similar properties. This amino acid position is conserved. In addition, this alteration is predicted to be deleterious by in silico analysis. Based on the available evidence, the clinical significance of this alteration remains unclear.